The following continues an entry in ClinVar:

NM_007294.4(BRCA1):c.4675G>C (p.Glu1559Gln)

Gene: BRCA1. ClinVar aggregate classification (germline): Pathogenic/Likely pathogenic. Pathogenic (7); Likely pathogenic (2).

Submissions 8 to 14 of 14:

Consortium of Investigators of Modifiers of BRCA1/2 (CIMBA), c/o University of Cambridge
Classification: Pathogenic for Breast-ovarian cancer, familial, susceptibility to, 1. Last evaluated: 2015-10-02. Review status: criteria provided, single submitter. Criteria: CIMBA Mutation Classification guidelines May 2016. Collection method: clinical testing. Allele origin: germline.

Neuberg Centre For Genomic Medicine, NCGM
Classification: Pathogenic for Breast-ovarian cancer, familial, susceptibility to, 1. Review status: criteria provided, single submitter. Criteria: ACMG Guidelines, 2015. Collection method: clinical testing. Allele origin: germline. Affected: yes.
Comment: The missense variant p.E1580Q in BRCA1 (NM_007300.4) has been previously reported as E1559Q in patients affected with breast cancer. Functional studies demonstarted a damaging effect (Davy G et al,2018). It has been submitted to ClinVar as Pathogenic. The p.E1580Q variant is novel (not in any individuals) in gnomAD Exomes and is novel (not in any individuals) in 1000 Genomes. The p.E1580Q variant is predicted to disrupt splicing by all splice site algorithms. For these reasons, this variant has been classified as Pathogenic.

KCCC/NGS Laboratory, Kuwait Cancer Control Center
Classification: Pathogenic for Breast-ovarian cancer, familial, susceptibility to, 1. Last evaluated: 2023-05-05. Review status: no assertion criteria provided. Collection method: clinical testing. Allele origin: germline. Affected: yes. Not counted in ClinVar's aggregate classification.
Comment: The c.4738G>C variant (also known as p.Glu1580Gln) is located in coding exon 13 of the BRCA1 gene. This variant results from a G to C substitution at nucleotide position 4738. The glutamic acid at codon 1580 is replaced by glutamine, an amino acid with highly similar properties. However, this change occurs in the last base pair of coding exon 13 which makes it likely to have some effect on normal mRNA splicing. This alteration is predicted to decrease the efficiency of the native splice donor site by the BDGP and ESEfinder in silico models. RNA analysis showed that this alteration induces expression of a transcript lacking 11 nucleotides at the end of coding exon 13 (also called exon 15 in the literature-Davy G et al. Eur. J. Hum. Genet., 2017 10;25:1147-1154). Furthermore, a close match alteration at the same nucleotide position, BRCA1 c.4675G>A has been shown in multiple studies to have the same splice defect as this alteration (Wappenschmidt B et al. PLoS ONE, 2012 Dec; Wangensteen T et al. Hered Cancer Clin Pract, 2019 May;17:14; Koczkowska M et al. Cancers (Basel), 2018 Nov;10: ). This alteration was functional in a protein assay (Woods NT et al. NPJ Genom Med, 2016 Mar;1) and is predicted to be tolerated by in silico analysis. ClinVar classifies this variant (37605) as pathogenic, rated 2 stars, with 6 submissions, 7 publications (15235020, 21394826, 23239986, 28781887, 28905878 and 2 more) and no conflicts. Therefore, this variant has been classified as pathogenic.

BRCAlab, Lund University
Classification: Likely pathogenic for Breast-ovarian cancer, familial, susceptibility to, 1. Last evaluated: 2020-03-02. Review status: no assertion criteria provided. Collection method: clinical testing. Allele origin: germline. Affected: yes. Not counted in ClinVar's aggregate classification.

Sharing Clinical Reports Project (SCRP)
Classification: Likely pathogenic for Breast-ovarian cancer, familial 1. Last evaluated: 2012-09-13. Review status: no assertion criteria provided. Collection method: clinical testing. Allele origin: germline. Not counted in ClinVar's aggregate classification.

Breast Cancer Information Core (BIC) (BRCA1)
Classification: Pathogenic for Breast-ovarian cancer, familial 1. Last evaluated: 2002-05-29. Review status: no assertion criteria provided. Collection method: clinical testing. Allele origin: germline. Affected: yes. Observed: 1 variant allele. Not counted in ClinVar's aggregate classification.

Laboratoire de Biologie et Génétique du Cancer, Centre François Baclesse
Classification: Pathogenic for Breast-ovarian cancer, familial, susceptibility to, 1. Review status: no assertion criteria provided. Collection method: clinical testing. Allele origin: germline. Inheritance: Autosomal dominant inheritance. Affected: yes. Not counted in ClinVar's aggregate classification.

Literature cited by the submitters: PubMed 28975465 (cited by Labcorp Genetics (formerly Invitae), Labcorp and Quest Diagnostics Nichols Institute San Juan Capistrano); PubMed 29446198 (cited by Labcorp Genetics (formerly Invitae), Labcorp and Quest Diagnostics Nichols Institute San Juan Capistrano); PubMed 17576681 (cited by Labcorp Genetics (formerly Invitae), Labcorp); PubMed 9536098 (cited by Labcorp Genetics (formerly Invitae), Labcorp); PubMed 28905878 (cited by 3 submitters); PubMed 23239986 (cited by 3 submitters); PubMed 24333842 (cited by Labcorp Genetics (formerly Invitae), Labcorp and Quest Diagnostics Nichols Institute San Juan Capistrano); PubMed 25066507 (cited by Labcorp Genetics (formerly Invitae), Labcorp and Quest Diagnostics Nichols Institute San Juan Capistrano); PubMed 31143303 (cited by 3 submitters); PubMed 15235020 (cited by Ambry Genetics and Quest Diagnostics Nichols Institute San Juan Capistrano); PubMed 21394826 (cited by Ambry Genetics and Quest Diagnostics Nichols Institute San Juan Capistrano); PubMed 28781887 (cited by Ambry Genetics and Quest Diagnostics Nichols Institute San Juan Capistrano); PubMed 30441849 (cited by Ambry Genetics and Quest Diagnostics Nichols Institute San Juan Capistrano); PubMed 27157322 (cited by Quest Diagnostics Nichols Institute San Juan Capistrano); PubMed 30765603 (cited by Quest Diagnostics Nichols Institute San Juan Capistrano); PubMed 20104584 (cited by KCCC/NGS Laboratory, Kuwait Cancer Control Center).